The following is an entry in ClinVar:

NM_022773.4(LMF1):c.1288A>G (p.Ser430Gly)

Gene: LMF1 (lipase maturation factor 1; minus strand). Cytogenetic location: 16p13.3.
Variant type: single nucleotide variant.
Coding change: c.1288A>G on transcript NM_022773.4 (MANE Select); coding-DNA position 1288, A replaced by G.
Protein change: p.Ser430Gly; replaces serine 430 with glycine.
Molecular consequence: missense variant. On other transcripts: non-coding transcript variant (1).
Genome position (GRCh38, 1-based): chr16:870,011, T>C on the plus strand (A>G on the coding strand, the complement: LMF1 is on the minus strand). VCF-style: chr16-870011-T-C. GRCh37 (hg19) VCF-style: chr16-920011-T-C.
Other names: c.637A>G, p.Ser213Gly (NM_001352017.2, NM_001352021.2); c.889A>G, p.Ser297Gly (NM_001352018.2); c.961A>G, p.Ser321Gly (NM_001352019.2); c.1288A>G, p.Ser430Gly (NM_001352020.1); short protein forms S321G, S213G, S297G, S430G.
Identifiers: ClinVar variation 3290930 (VCV003290930.1).

ClinVar aggregate classification (germline): Uncertain significance (1 of 4 stars; one submission).

Conditions:
Cardiovascular phenotype. Identifiers: MedGen CN230736.

gnomAD v4.1: 3 of 1,612,884 alleles (0.00019%); highest among the groups gnomAD compares: South Asian, 0.0033%; no homozygotes.

Submission:

Ambry Genetics
Classification: Uncertain significance for Cardiovascular phenotype. Last evaluated: 2024-05-12. Review status: criteria provided, single submitter. Criteria: Ambry Variant Classification Scheme 2023. Collection method: clinical testing. Allele origin: germline.
Comment: The p.S430G variant (also known as c.1288A>G), located in coding exon 9 of the LMF1 gene, results from an A to G substitution at nucleotide position 1288. The serine at codon 430 is replaced by glycine, an amino acid with similar properties. This amino acid position is conserved. In addition, this alteration is predicted to be tolerated by in silico analysis. Based on the available evidence, the clinical significance of this variant remains unclear.